The following is an entry in ClinVar:

NM_000169.3(GLA):c.318_319del (p.Gln107fs)

Genes: GLA (galactosidase alpha; minus strand), RPL36A-HNRNPH2 (RPL36A-HNRNPH2 readthrough; plus strand). Cytogenetic location: Xq22.1.
Variant type: Deletion.
Coding change: c.318_319del on transcript NM_000169.3 (MANE Select); coding-DNA positions 318 to 319, 2 bases deleted (TC; older notation c.318_319delTC).
Protein change: p.Gln107fs; shifts the reading frame from glutamine 107.
Molecular consequence: frameshift variant. On other transcripts: non-coding transcript variant (3), intron variant (2).
Genome position (GRCh38, 1-based): chrX:101,403,861-101,403,862, GA deleted on the plus strand (TC on the coding strand, the reverse complement: GLA is on the minus strand). VCF-style (leftmost placement, unchanged base first): chrX-101403860-TGA-T. GRCh37 (hg19) VCF-style: chrX-100658848-TGA-T.
Other names: c.441_442del, p.Gln148fs (NM_001406747.1, NM_001406749.1); c.318_319del, p.Gln107fs (NM_001406748.1); c.301-8075_301-8074del (NM_001199973.2); c.178-8075_178-8074del (NM_001199974.2); short protein forms Q107fs, Q148fs.
Identifiers: ClinVar variation 1726609 (VCV001726609.2), dbSNP rs2520912945, ClinGen allele CA2580100098.

ClinVar aggregate classification (germline): Likely pathogenic (1 of 4 stars; one submission).

Conditions:
Fabry disease. Also called: CERAMIDE TRIHEXOSIDASE DEFICIENCY; GLA DEFICIENCY; HEREDITARY DYSTOPIC LIPIDOSIS; Fabry's disease; ALPHA-GALACTOSIDASE A DEFICIENCY; ANDERSON-FABRY DISEASE. Identifiers: Orphanet 324, MedGen C0002986, MONDO:0010526, OMIM 301500, HP:0001071. Disease mechanism: Fabry disease is due to inactivating mutations in the X-linked GLA gene resulting in deficiency of the enzyme Alpha Galactosidase-A., loss of function.

Submission:

Myriad Genetics, Inc.
Classification: Likely pathogenic for Fabry disease. Last evaluated: 2021-12-27. Review status: criteria provided, single submitter. Criteria: Myriad Women's Health Autosomal Recessive and X-Linked Classification Criteria (2021). Collection method: clinical testing. Allele origin: unknown.
Comment: NM_000169.2(GLA):c.318_319delTC(Q107Gfs*15) is expected to be pathogenic in the context of Fabry disease. This variant is predicted to lead to an abnormal or absent protein product due to the creation of a premature termination codon in GLA, a gene where loss-of-function variants are known to be pathogenic. Please note: this variant was assessed in the context of healthy population screening.